The following is an entry in ClinVar:

NM_006005.3(WFS1):c.1435C>T (p.Pro479Ser)

Gene: WFS1 (wolframin ER transmembrane glycoprotein; plus strand). Cytogenetic location: 4p16.1.
Variant type: single nucleotide variant.
Coding change: c.1435C>T on transcript NM_006005.3 (MANE Select); coding-DNA position 1435, C replaced by T.
Protein change: p.Pro479Ser; replaces proline 479 with serine.
Molecular consequence: missense variant.
Genome position (GRCh38, 1-based): chr4:6,301,230, C>T. VCF-style: chr4-6301230-C-T. GRCh37 (hg19) VCF-style: chr4-6302957-C-T.
Other names: c.1435C>T, p.Pro479Ser (NM_001145853.1); short protein forms P479S.
Identifiers: ClinVar variation 1924836 (VCV001924836.5), dbSNP rs1477447848, ClinGen allele CA356174940.

ClinVar aggregate classification (germline): Uncertain significance (1 of 4 stars; one submission).

Allele frequency attached by ClinVar (database versions not stated): TOPMed below 0.00001; gnomAD 0.00001.

Submission:

Labcorp Genetics (formerly Invitae), Labcorp
Classification: Uncertain significance. Last evaluated: 2024-11-29. Review status: criteria provided, single submitter. Criteria: Invitae Variant Classification Sherloc (09022015). Collection method: clinical testing. Allele origin: germline.
Comment: This sequence change replaces proline, which is neutral and non-polar, with serine, which is neutral and polar, at codon 479 of the WFS1 protein (p.Pro479Ser). This variant is not present in population databases (gnomAD no frequency). This variant has not been reported in the literature in individuals affected with WFS1-related conditions. ClinVar contains an entry for this variant (Variation ID: 1924836). Invitae Evidence Modeling of protein sequence and biophysical properties (such as structural, functional, and spatial information, amino acid conservation, physicochemical variation, residue mobility, and thermodynamic stability) indicates that this missense variant is not expected to disrupt WFS1 protein function with a negative predictive value of 95%. In summary, the available evidence is currently insufficient to determine the role of this variant in disease. Therefore, it has been classified as a Variant of Uncertain Significance.